The following is an entry in ClinVar:

ClinVar aggregate classification (germline): Uncertain significance (1 of 4 stars; one submission).

Conditions:
Inborn genetic diseases. Identifiers: MedGen C0950123, MeSH D030342.

gnomAD v4.1: 2 of 1,614,250 alleles (0.00012%); highest among the groups gnomAD compares: Non-Finnish European, 0.00017%; no homozygotes.

Submission:

Ambry Genetics
Classification: Uncertain significance for Inborn genetic diseases. Last evaluated: 2024-12-15. Review status: criteria provided, single submitter. Criteria: Ambry Variant Classification Scheme 2023. Collection method: clinical testing. Allele origin: germline.
Comment: The p.M525V variant (also known as c.1573A>G), located in coding exon 11 of the BMPR2 gene, results from an A to G substitution at nucleotide position 1573. The methionine at codon 525 is replaced by valine, an amino acid with highly similar properties. This amino acid position is conserved. In addition, this alteration is predicted to be tolerated by in silico analysis. Based on the available evidence, the clinical significance of this variant remains unclear.

NM_001204.7(BMPR2):c.1573A>G (p.Met525Val)

Gene: BMPR2 (bone morphogenetic protein receptor type 2; plus strand). Cytogenetic location: 2q33.2.
Variant type: single nucleotide variant.
Coding change: c.1573A>G on transcript NM_001204.7 (MANE Select); coding-DNA position 1573, A replaced by G.
Protein change: p.Met525Val; replaces methionine 525 with valine.
Molecular consequence: missense variant.
Genome position (GRCh38, 1-based): chr2:202,552,875, A>G. VCF-style: chr2-202552875-A-G. GRCh37 (hg19) VCF-style: chr2-203417598-A-G.
Other names: short protein forms M525V.
Identifiers: ClinVar variation 3824745 (VCV003824745.1).